The following is an entry in ClinVar:

ClinVar aggregate classification (germline): Benign/Likely benign. Review status: criteria provided, multiple submitters, no conflicts (2 of 4 stars). 8 submissions from 8 submitters: Benign (5); Likely benign (1). 2 of the submissions do not count toward it. Last evaluated 2026-02-04.

Conditions:
Nemaline myopathy 2 (NEM2). Also called: Nemaline myopathy 2, autosomal recessive. Identifiers: MedGen C1850569, MONDO:0009725, OMIM 256030.

Allele frequency attached by ClinVar (database versions not stated): ESP Exome Variant Server 0.02486; TOPMed 0.02508; 1000 Genomes Project 0.02616; 1000 Genomes Project 30x 0.02733.
gnomAD v4.1: 6,691 of 1,563,784 alleles (0.43%); highest among the groups gnomAD compares: African/African-American, 8.1%; 288 homozygotes.

Submissions (8):

Labcorp Genetics (formerly Invitae), Labcorp
Classification: Benign for Nemaline myopathy 2. Last evaluated: 2026-02-04. Review status: criteria provided, single submitter. Criteria: Invitae Variant Classification Sherloc (09022015). Collection method: clinical testing. Allele origin: germline.

Mayo Clinic Laboratories, Mayo Clinic
Classification: Benign. Last evaluated: 2019-03-06. Review status: criteria provided, single submitter. Criteria: ACMG Guidelines, 2015. Collection method: clinical testing. Allele origin: germline. Observed: 12 variant alleles.

Illumina Laboratory Services, Illumina
Classification: Benign for Nemaline myopathy 2. Last evaluated: 2018-01-13. Review status: criteria provided, single submitter. Criteria: ICSL Variant Classification Criteria 13 December 2019. Collection method: clinical testing. Allele origin: germline.
Comment: This variant was observed in the ICSL laboratory as part of a predisposition screen in an ostensibly healthy population. It had not been previously curated by ICSL or reported in the Human Gene Mutation Database (HGMD: prior to June 1st, 2018), and was therefore a candidate for classification through an automated scoring system. Utilizing variant allele frequency, disease prevalence and penetrance estimates, and inheritance mode, an automated score was calculated to assess if this variant is too frequent to cause the disease. Based on the score and internal cut-off values, a variant classified as benign is not then subjected to further curation. The score for this variant resulted in a classification of benign for this disease.

GeneDx
Classification: Benign. Last evaluated: 2016-08-26. Review status: criteria provided, single submitter. Criteria: GeneDx Variant Classification (06012015). Collection method: clinical testing. Allele origin: germline. Affected: yes.
Comment: This variant is considered likely benign or benign based on one or more of the following criteria: it is a conservative change, it occurs at a poorly conserved position in the protein, it is predicted to be benign by multiple in silico algorithms, and/or has population frequency not consistent with disease.

Laboratory for Molecular Medicine, Mass General Brigham Personalized Medicine
Classification: Benign. Last evaluated: 2015-01-13. Review status: criteria provided, single submitter. Criteria: LMM Criteria. Collection method: clinical testing. Allele origin: germline. Observed: 1 variant allele.
Comment: c.18997-10T>C in intron 121 of NEB: This variant is not expected to have clinica l significance because it has been identified in 7.9% (296/3748) of African Amer ican chromosomes from a broad population by the NHLBI Exome Sequencing Project (dbSNP rs4544436).

PreventionGenetics, part of Exact Sciences
Classification: Likely benign. Review status: criteria provided, single submitter. Criteria: ACMG Guidelines, 2015. Collection method: clinical testing. Allele origin: germline.

Natera, Inc.
Classification: Benign for Nemaline myopathy type 2. Last evaluated: 2020-09-16. Review status: no assertion criteria provided. Collection method: clinical testing. Allele origin: germline. Not counted in ClinVar's aggregate classification.

Genetic Services Laboratory, University of Chicago
Classification: Likely benign for AllHighlyPenetrant. Review status: no assertion criteria provided. Collection method: clinical testing. Allele origin: germline. Inheritance: Autosomal recessive inheritance. Not counted in ClinVar's aggregate classification.
Comment: Likely benign based on allele frequency in 1000 Genomes Project or ESP global frequency and its presence in a patient with a rare or unrelated disease phenotype. NOT Sanger confirmed.

NM_001164508.2(NEB):c.18997-10T>C

Gene: NEB (nebulin; minus strand). Cytogenetic location: 2q23.3.
Variant type: single nucleotide variant.
Coding change: c.18997-10T>C on transcript NM_001164508.2 (MANE Select); 10 bases into the intron before coding-DNA position 18997, T replaced by C.
Molecular consequence: intron variant.
Genome position (GRCh38, 1-based): chr2:151,561,322, A>G on the plus strand (T>C on the coding strand, the complement: NEB is on the minus strand). VCF-style: chr2-151561322-A-G. GRCh37 (hg19) VCF-style: chr2-152417836-A-G.
Other names: p.?; c.13894-10T>C (NM_004543.5); c.18997-10T>C (NM_001164507.2, NM_001271208.2).
Identifiers: ClinVar variation 129715 (VCV000129715.26), dbSNP rs4544436, ClinGen allele CA153908.